The following is an entry in ClinVar:

ClinVar aggregate classification (germline): Pathogenic. Review status: criteria provided, single submitter (1 of 4 stars). 2 submissions from 2 submitters: Pathogenic (1). 1 of the submissions does not count toward it. Last evaluated 2025-10-08.

Conditions:
TSC2-related disorder. Also called: TSC2-Related Disorders; TSC2-related condition.
Tuberous sclerosis syndrome (TSC). Also called: Tuberous Sclerosis Complex; Tuberous sclerosis. Identifiers: Orphanet 805, MedGen C0041341, MONDO:0001734.

Submissions (2):

PreventionGenetics, part of Exact Sciences
Classification: Pathogenic for TSC2-related condition. Last evaluated: 2025-10-08. Review status: criteria provided, single submitter. Criteria: ACMG Guidelines, 2015. Collection method: clinical testing. Allele origin: germline.
Comment: The TSC2 c.2404dupA variant is predicted to result in a frameshift and premature protein termination (p.Ser802Lysfs*16). This variant has been reported in an individual with autosomal dominant tuberous sclerosis (Hung et al. 2006. PubMed ID: 16981987). This variant has not been reported in a large population database (gnomAD), indicating this variant is rare. Frameshift variants in TSC2 are expected to be pathogenic. This variant is interpreted as pathogenic.

Tuberous sclerosis database (TSC2)
No classification provided. Condition: TSC. Review status: no classification provided. Criteria: Tuberous Sclerosis Database Assertion Criteria 2015. Collection method: curation. Allele origin: germline. Affected: yes. Not counted in ClinVar's aggregate classification.

NM_000548.5(TSC2):c.2404dup (p.Ser802fs)

Gene: TSC2 (TSC complex subunit 2; plus strand). Cytogenetic location: 16p13.3.
Variant type: Duplication.
Coding change: c.2404dup on transcript NM_000548.5 (MANE Select); coding-DNA position 2404, one base duplicated (A; older notation c.2404dupA).
Protein change: p.Ser802fs; shifts the reading frame from serine 802.
Molecular consequence: frameshift variant.
Genome position (GRCh38, 1-based): chr16:2,074,248, A duplicated. VCF-style (leftmost placement, unchanged base first): chr16-2074247-C-CA. GRCh37 (hg19) VCF-style: chr16-2124248-C-CA.
Other names: c.2404dup, p.Ser802fs (NM_001077183.3, NM_001114382.3, NM_001363528.2 and 3 more transcripts); c.2293dup, p.Ser765fs (NM_001318827.2); c.2257dup, p.Ser753fs (NM_001318829.2); c.1804dup, p.Ser602fs (NM_001318831.2); c.2437dup, p.Ser813fs (NM_001318832.2); c.2404dupA (NM_000548.4); short protein forms S802fs, S813fs, S602fs, S753fs, S765fs.
Identifiers: ClinVar variation 49206 (VCV000049206.3), dbSNP rs137854182, ClinGen allele CA017373.